The following is an entry in ClinVar:

NM_020807.3(ZNF319):c.32C>T (p.Thr11Met)

Gene: ZNF319 (zinc finger protein 319; minus strand). Cytogenetic location: 16q21.
Variant type: single nucleotide variant.
Coding change: c.32C>T on transcript NM_020807.3 (MANE Select); coding-DNA position 32, C replaced by T.
Protein change: p.Thr11Met; replaces threonine 11 with methionine.
Molecular consequence: missense variant.
Genome position (GRCh38, 1-based): chr16:57,998,234, G>A on the plus strand (C>T on the coding strand, the complement: ZNF319 is on the minus strand). VCF-style: chr16-57998234-G-A. GRCh37 (hg19) VCF-style: chr16-58032138-G-A.
Other names: c.32C>T, p.Thr11Met (NM_001384365.1, NM_001384366.1, NM_001384367.1); short protein forms T11M.
Identifiers: ClinVar variation 2646566 (VCV002646566.24), dbSNP rs62637701, ClinGen allele CA8084735.

ClinVar aggregate classification (germline): Likely benign (1 of 4 stars; one submission).

Allele frequency attached by ClinVar (database versions not stated): 1000 Genomes Project 30x 0.00062; 1000 Genomes Project 0.00080; ExAC 0.00208; TOPMed 0.00215; gnomAD 0.00222; ESP Exome Variant Server 0.00316; gnomAD exomes 0.00327.
gnomAD v4.1: 4,772 of 1,528,438 alleles (0.31%); highest among the groups gnomAD compares: Middle Eastern, 0.44%; 19 homozygotes.

Submission:

CeGaT Center for Human Genetics Tuebingen
Classification: Likely benign. Last evaluated: 2023-04-01. Review status: criteria provided, single submitter. Criteria: CeGaT Center For Human Genetics Tuebingen Variant Classification Criteria Version 2. Collection method: clinical testing. Allele origin: germline. Affected: yes. Observed: 1 variant allele.
Comment: ZNF319: BP4, BS2